The following is an entry in ClinVar:

NM_153252.5(BRWD3):c.573C>T (p.Ser191=)

Gene: BRWD3 (bromodomain and WD repeat domain containing 3; minus strand). Cytogenetic location: Xq21.1.
Variant type: single nucleotide variant.
Coding change: c.573C>T on transcript NM_153252.5 (MANE Select); coding-DNA position 573, C replaced by T.
Protein change: p.Ser191=; no amino-acid change (serine 191 retained).
Molecular consequence: synonymous variant.
Genome position (GRCh38, 1-based): chrX:80,745,587, G>A on the plus strand (C>T on the coding strand, the complement: BRWD3 is on the minus strand). VCF-style: chrX-80745587-G-A. GRCh37 (hg19) VCF-style: chrX-80001086-G-A.
Identifiers: ClinVar variation 434542 (VCV000434542.45), dbSNP rs187384754, ClinGen allele CA10462346.

ClinVar aggregate classification (germline): Benign/Likely benign. Review status: criteria provided, multiple submitters, no conflicts (2 of 4 stars). 5 submissions from 5 submitters: Benign (1); Likely benign (3). 1 of the submissions does not count toward it. Last evaluated 2025-10-29.

Conditions:
BRWD3-related disorder. Also called: BRWD3-related condition.

Allele frequency attached by ClinVar (database versions not stated): gnomAD exomes 0.00009 and 0.00017; gnomAD 0.00013; TOPMed 0.00016; 1000 Genomes Project 30x 0.00021; 1000 Genomes Project 0.00026; ExAC 0.00028.
gnomAD v4.1: 119 of 1,206,455 alleles (0.0099%); highest among the groups gnomAD compares: Middle Eastern, 0.046%; no homozygotes.

Submissions (6):

Labcorp Genetics (formerly Invitae), Labcorp
Classification: Benign. Last evaluated: 2025-10-29. Review status: criteria provided, single submitter. Criteria: Invitae Variant Classification Sherloc (09022015). Collection method: clinical testing. Allele origin: germline.

Blueprint Genetics
Classification: Likely benign. Last evaluated: 2024-11-22. Review status: criteria provided, single submitter. Criteria: ACMG Guidelines, 2015. Collection method: clinical testing. Allele origin: germline.

CeGaT Center for Human Genetics Tuebingen
Classification: Likely benign. Last evaluated: 2022-08-01. Review status: criteria provided, single submitter. Criteria: CeGaT Center For Human Genetics Tuebingen Variant Classification Criteria Version 2. Collection method: clinical testing. Allele origin: germline. Affected: yes. Observed: 3 variant alleles.
Comment: BRWD3: BP4, BP7

Genetic Services Laboratory, University of Chicago
Classification: Likely benign. Last evaluated: 2017-03-03. Review status: criteria provided, single submitter. Criteria: ACMG Guidelines, 2015. Collection method: clinical testing. Allele origin: germline. Affected: no.

PreventionGenetics, part of Exact Sciences
Classification: Likely benign for BRWD3-related condition. Last evaluated: 2019-06-13. Review status: no assertion criteria provided. Collection method: clinical testing. Allele origin: germline. Not counted in ClinVar's aggregate classification.
Comment: This variant is classified as likely benign based on ACMG/AMP sequence variant interpretation guidelines (Richards et al. 2015 PMID: 25741868, with internal and published modifications).

Dr. Peter K. Rogan Lab, Western University
No classification provided (evidence only). Condition: Thyroid cancer, nonmedullary, 1. Review status: no classification provided. Collection method: in vitro. Allele origin: not applicable. Functional consequence: retained intron. Not counted in ClinVar's aggregate classification.